The following is an entry in ClinVar:

NM_018127.7(ELAC2):c.154T>C (p.Ser52Pro)

Gene: ELAC2 (elaC ribonuclease Z 2; minus strand). Cytogenetic location: 17p12.
Variant type: single nucleotide variant.
Coding change: c.154T>C on transcript NM_018127.7 (MANE Select); coding-DNA position 154, T replaced by C.
Protein change: p.Ser52Pro; replaces serine 52 with proline.
Molecular consequence: missense variant.
Genome position (GRCh38, 1-based): chr17:13,017,794, A>G on the plus strand (T>C on the coding strand, the complement: ELAC2 is on the minus strand). VCF-style: chr17-13017794-A-G. GRCh37 (hg19) VCF-style: chr17-12921111-A-G.
Other names: c.154T>C, p.Ser52Pro (NM_001165962.2, NM_173717.2); short protein forms S52P.
Identifiers: ClinVar variation 841174 (VCV000841174.3), dbSNP rs755823018, ClinGen allele CA8401827.

ClinVar aggregate classification (germline): Uncertain significance (1 of 4 stars; one submission).

Conditions:
Combined oxidative phosphorylation defect type 17. Also called: Combined oxidative phosphorylation deficiency 17. Identifiers: Orphanet 369913, MedGen C3809526, MONDO:0014190, OMIM 615440.

Allele frequency attached by ClinVar (database versions not stated): ExAC below 0.00001.

Submission:

Labcorp Genetics (formerly Invitae), Labcorp
Classification: Uncertain significance for Combined oxidative phosphorylation defect type 17. Last evaluated: 2021-08-31. Review status: criteria provided, single submitter. Criteria: Invitae Variant Classification Sherloc (09022015). Collection method: clinical testing. Allele origin: germline.
Comment: This sequence change replaces serine with proline at codon 52 of the ELAC2 protein (p.Ser52Pro). The serine residue is weakly conserved and there is a moderate physicochemical difference between serine and proline. The frequency data for this variant in the population databases is considered unreliable, as metrics indicate poor data quality at this position in the ExAC database. This variant has not been reported in the literature in individuals affected with ELAC2-related conditions. Algorithms developed to predict the effect of missense changes on protein structure and function output the following: SIFT: "Tolerated"; PolyPhen-2: "Benign"; Align-GVGD: "Class C0". The proline amino acid residue is found in multiple mammalian species, which suggests that this missense change does not adversely affect protein function. In summary, the available evidence is currently insufficient to determine the role of this variant in disease. Therefore, it has been classified as a Variant of Uncertain Significance.